The following is an entry in ClinVar:

ClinVar aggregate classification (germline): Uncertain significance (1 of 4 stars; one submission).

Conditions:
Kabuki syndrome. Also called: NIIKAWA-KUROKI SYNDROME; Kabuki make-up syndrome. Identifiers: Orphanet 2322, MedGen C0796004, MONDO:0016512.

Submission:

Labcorp Genetics (formerly Invitae), Labcorp
Classification: Uncertain significance for Kabuki syndrome. Last evaluated: 2025-05-19. Review status: criteria provided, single submitter. Criteria: Invitae Variant Classification Sherloc (09022015). Collection method: clinical testing. Allele origin: germline.
Comment: This sequence change replaces leucine, which is neutral and non-polar, with serine, which is neutral and polar, at codon 289 of the KMT2D protein (p.Leu289Ser). This variant is not present in population databases (gnomAD no frequency). This variant has not been reported in the literature in individuals affected with KMT2D-related conditions. Invitae Evidence Modeling of protein sequence and biophysical properties (such as structural, functional, and spatial information, amino acid conservation, physicochemical variation, residue mobility, and thermodynamic stability) indicates that this missense variant is expected to disrupt KMT2D protein function with a positive predictive value of 95%. In summary, the available evidence is currently insufficient to determine the role of this variant in disease. Therefore, it has been classified as a Variant of Uncertain Significance.

NM_003482.4(KMT2D):c.866T>C (p.Leu289Ser)

Gene: KMT2D (lysine methyltransferase 2D; minus strand). Cytogenetic location: 12q13.12.
Variant type: single nucleotide variant.
Coding change: c.866T>C on transcript NM_003482.4 (MANE Select); coding-DNA position 866, T replaced by C.
Protein change: p.Leu289Ser; replaces leucine 289 with serine.
Molecular consequence: missense variant.
Genome position (GRCh38, 1-based): chr12:49,053,295, A>G on the plus strand (T>C on the coding strand, the complement: KMT2D is on the minus strand). VCF-style: chr12-49053295-A-G. GRCh37 (hg19) VCF-style: chr12-49447078-A-G.
Other names: short protein forms L289S.
Identifiers: ClinVar variation 4775098 (VCV004775098.1).